The following is an entry in ClinVar:

ClinVar aggregate classification (germline): Pathogenic (1 of 4 stars; one submission).

Conditions:
Cerebral cavernous malformation 2. Also called: Familial Cerebral Cavernous Malformation 2. Identifiers: Orphanet 221061, MedGen C1864041, MONDO:0011304, OMIM 603284.

Submission:

Labcorp Genetics (formerly Invitae), Labcorp
Classification: Pathogenic for Cerebral cavernous malformation 2. Last evaluated: 2016-09-29. Review status: criteria provided, single submitter. Criteria: Invitae Variant Classification Sherloc (09022015). Collection method: clinical testing. Allele origin: germline.
Comment: This variant is a gross deletion of the genomic region encompassing exons 2-10 of the CCM2 gene, which encodes ~98% of the total protein. The boundaries of this event are unknown, as the deletion extends beyond the assayed region for this gene and therefore may include exon 1 of the CCM2 gene (resulting in complete gene deletion) and/or encompass additional genes. Loss-of-function variants in CCM2 are known to be pathogenic. A deletion of exons 2-10 that is mediated by Alu repeat sequences in intron 1 and the intragenic region downstream of exon 10 has been reported in several individuals with cerebral cavernous malformations (PMID: 17160895). For these reasons, this variant has been classified as Pathogenic.

NC_000007.14:g.(?_45038253)_(45076470_?)del

Genes: CCM2 (CCM2 scaffold protein; plus strand), LOC132090779 (Neanderthal introgressed variant-containing enhancer experimental_99227; plus strand). Cytogenetic location: 7p13.
Variant type: Deletion.
Identifiers: ClinVar variation 468334 (VCV000468334.1).